The following is an entry in ClinVar:

ClinVar aggregate classification (germline): Uncertain significance. Review status: criteria provided, multiple submitters, no conflicts (2 of 4 stars). 2 submissions from 2 submitters: Uncertain significance (2). Last evaluated 2025-05-09.

Conditions:
Hereditary cancer-predisposing syndrome. Also called: Hereditary Cancer Syndrome; Tumor predisposition; Hereditary neoplastic syndrome; Neoplastic Syndromes, Hereditary. Identifiers: Orphanet 140162, MedGen C0027672, MeSH D009386, MONDO:0015356.
Familial adenomatous polyposis 1 (FAP1). Also called: FAMILIAL ADENOMATOUS POLYPOSIS 1, ATTENUATED; POLYPOSIS, ADENOMATOUS INTESTINAL. Identifiers: MedGen C2713442, MONDO:0021056, OMIM 175100. Disease mechanism: loss of function.

Submissions (2):

Ambry Genetics
Classification: Uncertain significance for Hereditary cancer-predisposing syndrome. Last evaluated: 2025-05-09. Review status: criteria provided, single submitter. Criteria: Ambry Variant Classification Scheme 2023. Collection method: clinical testing. Allele origin: germline.
Comment: The p.L687P variant (also known as c.2060T>C), located in coding exon 15 of the APC gene, results from a T to C substitution at nucleotide position 2060. The leucine at codon 687 is replaced by proline, an amino acid with similar properties. This amino acid position is conserved. In addition, in silico predictors for this gene do not accurately predict pathogenicity. Based on the available evidence, the clinical significance of this variant remains unclear.

Labcorp Genetics (formerly Invitae), Labcorp
Classification: Uncertain significance for Familial adenomatous polyposis 1. Last evaluated: 2021-06-05. Review status: criteria provided, single submitter. Criteria: Invitae Variant Classification Sherloc (09022015). Collection method: clinical testing. Allele origin: germline.
Comment: This variant has not been reported in the literature in individuals with APC-related conditions. This variant is not present in population databases (ExAC no frequency). This sequence change replaces leucine with proline at codon 687 of the APC protein (p.Leu687Pro). The leucine residue is highly conserved and there is a moderate physicochemical difference between leucine and proline. Algorithms developed to predict the effect of missense changes on protein structure and function (SIFT, PolyPhen-2, Align-GVGD) all suggest that this variant is likely to be disruptive, but these predictions have not been confirmed by published functional studies and their clinical significance is uncertain. In summary, the available evidence is currently insufficient to determine the role of this variant in disease. Therefore, it has been classified as a Variant of Uncertain Significance.

NM_000038.6(APC):c.2060T>C (p.Leu687Pro)

Gene: APC (APC regulator of Wnt signaling pathway; plus strand). Cytogenetic location: 5q22.2.
Variant type: single nucleotide variant.
Coding change: c.2060T>C on transcript NM_000038.6 (MANE Select); coding-DNA position 2060, T replaced by C.
Protein change: p.Leu687Pro; replaces leucine 687 with proline.
Molecular consequence: missense variant.
Genome position (GRCh38, 1-based): chr5:112,837,654, T>C. VCF-style: chr5-112837654-T-C. GRCh37 (hg19) VCF-style: chr5-112173351-T-C.
Other names: c.2060T>C, p.Leu687Pro (NM_001127510.3, NM_001354895.2); c.2006T>C, p.Leu669Pro (NM_001127511.3); c.2114T>C, p.Leu705Pro (NM_001354896.2); c.2090T>C, p.Leu697Pro (NM_001354897.2); c.1985T>C, p.Leu662Pro (NM_001354898.2); c.1976T>C, p.Leu659Pro (NM_001354899.2); c.1937T>C, p.Leu646Pro (NM_001354900.2); c.1883T>C, p.Leu628Pro (NM_001354901.2); and 6 more; short protein forms L697P, L404P, L628P, L659P, L705P, L561P, L596P, L662P.
Identifiers: ClinVar variation 1408590 (VCV001408590.9), dbSNP rs863225324, ClinGen allele CA16025829.